The following is an entry in ClinVar:

NM_024537.4(CARS2):c.37C>T (p.Pro13Ser)

Genes: CARS2 (cysteinyl-tRNA synthetase 2, mitochondrial; minus strand), LOC130010127 (ATAC-STARR-seq lymphoblastoid silent region 5509; plus strand). Cytogenetic location: 13q34.
Variant type: single nucleotide variant.
Coding change: c.37C>T on transcript NM_024537.4 (MANE Select); coding-DNA position 37, C replaced by T.
Protein change: p.Pro13Ser; replaces proline 13 with serine.
Molecular consequence: missense variant. On other transcripts: non-coding transcript variant (1), intron variant (1).
Genome position (GRCh38, 1-based): chr13:110,706,057, G>A on the plus strand (C>T on the coding strand, the complement: CARS2 is on the minus strand). VCF-style: chr13-110706057-G-A. GRCh37 (hg19) VCF-style: chr13-111358404-G-A.
Other names: c.37C>T, p.Pro13Ser (NM_001352253.3); c.-776+314C>T (NM_001352252.2); short protein forms P13S.
Identifiers: ClinVar variation 1905583 (VCV001905583.5), dbSNP rs1044669719, ClinGen allele CA256331148.
Genomic context (GRCh38, chr13:110,706,057, plus strand): 5'-CCCGGCCCGCAGGCCAGTGCCACCCAGCCCGCCCAAGGCCCAGCGCGGCCTGGAGCAGCG[G>A]GGGGCCCAGGCCTGGGCCGCGCGTAGTCCTCAACATGTCAGCGGCCAGCGCCTACGACTG-3'
Protein context (NP_078813.1, residues 3-23): RTTRGPGLGP[Pro13Ser]LLQAALGLGR

ClinVar aggregate classification (germline): Uncertain significance (1 of 4 stars; one submission).

Conditions:
Combined oxidative phosphorylation defect type 27. Also called: Combined oxidative phosphorylation deficiency 27. Identifiers: Orphanet 477774, MedGen C5567608, MONDO:0014728, OMIM 616672.

gnomAD v4.1: 19 of 1,359,810 alleles (0.0014%); highest among the groups gnomAD compares: Middle Eastern, 0.02%; no homozygotes.

Submission:

Labcorp Genetics (formerly Invitae), Labcorp
Classification: Uncertain significance for Combined oxidative phosphorylation defect type 27. Last evaluated: 2022-04-08. Review status: criteria provided, single submitter. Criteria: Invitae Variant Classification Sherloc (09022015). Collection method: clinical testing. Allele origin: germline.
Comment: This sequence change replaces proline, which is neutral and non-polar, with serine, which is neutral and polar, at codon 13 of the CARS2 protein (p.Pro13Ser). This variant is not present in population databases (gnomAD no frequency). This variant has not been reported in the literature in individuals affected with CARS2-related conditions. Algorithms developed to predict the effect of missense changes on protein structure and function output the following: SIFT: "Deleterious"; PolyPhen-2: "Not Available"; Align-GVGD: "Class C0". The serine amino acid residue is found in multiple mammalian species, which suggests that this missense change does not adversely affect protein function. In summary, the available evidence is currently insufficient to determine the role of this variant in disease. Therefore, it has been classified as a Variant of Uncertain Significance.